The following is an entry in ClinVar:

ClinVar aggregate classification (germline): Uncertain significance (1 of 4 stars; one submission).

Submission:

Labcorp Genetics (formerly Invitae), Labcorp
Classification: Uncertain significance. Last evaluated: 2021-12-29. Review status: criteria provided, single submitter. Criteria: Invitae Variant Classification Sherloc (09022015). Collection method: clinical testing. Allele origin: germline.
Comment: In summary, the available evidence is currently insufficient to determine the role of this variant in disease. Therefore, it has been classified as a Variant of Uncertain Significance. Algorithms developed to predict the effect of missense changes on protein structure and function output the following: SIFT: "Tolerated"; PolyPhen-2: "Benign"; Align-GVGD: "Class C0". The aspartic acid amino acid residue is found in multiple mammalian species, which suggests that this missense change does not adversely affect protein function. This variant has not been reported in the literature in individuals affected with DENND5A-related conditions. This variant is not present in population databases (gnomAD no frequency). This sequence change replaces glutamic acid, which is acidic and polar, with aspartic acid, which is acidic and polar, at codon 114 of the DENND5A protein (p.Glu114Asp).

NM_015213.4(DENND5A):c.342G>T (p.Glu114Asp)

Gene: DENND5A (DENN domain containing 5A; minus strand). Cytogenetic location: 11p15.4.
Variant type: single nucleotide variant.
Coding change: c.342G>T on transcript NM_015213.4 (MANE Select); coding-DNA position 342, G replaced by T.
Protein change: p.Glu114Asp; replaces glutamic acid 114 with aspartic acid.
Molecular consequence: missense variant. On other transcripts: non-coding transcript variant (1).
Genome position (GRCh38, 1-based): chr11:9,204,267, C>A on the plus strand (G>T on the coding strand, the complement: DENND5A is on the minus strand). VCF-style: chr11-9204267-C-A. GRCh37 (hg19) VCF-style: chr11-9225814-C-A.
Other names: c.342G>T, p.Glu114Asp (NM_001243254.2, NM_001348748.1); c.270G>T, p.Glu90Asp (NM_001348749.2); c.54G>T, p.Glu18Asp (NM_001348750.2); short protein forms E114D, E18D, E90D.
Identifiers: ClinVar variation 2065368 (VCV002065368.4), dbSNP rs977123203, ClinGen allele CA379600403.